The following is an entry in ClinVar:

ClinVar aggregate classification (germline): Likely benign (1 of 4 stars; one submission).

Allele frequency attached by ClinVar (database versions not stated): gnomAD 0.00007; gnomAD exomes 0.00078.

Submission:

CeGaT Center for Human Genetics Tuebingen
Classification: Likely benign. Last evaluated: 2025-01-01. Review status: criteria provided, single submitter. Criteria: CeGaT Center For Human Genetics Tuebingen Variant Classification Criteria Version 2. Collection method: clinical testing. Allele origin: germline. Affected: yes. Observed: 2 variant alleles.
Comment: HYDIN: BP4, BS2

NM_001270974.2(HYDIN):c.8736C>T (p.Cys2912=)

Gene: HYDIN (HYDIN axonemal central pair apparatus protein; minus strand). Cytogenetic location: 16q22.2.
Variant type: single nucleotide variant.
Coding change: c.8736C>T on transcript NM_001270974.2 (MANE Select); coding-DNA position 8736, C replaced by T.
Protein change: p.Cys2912=; no amino-acid change (cysteine 2912 retained).
Molecular consequence: synonymous variant.
Genome position (GRCh38, 1-based): chr16:70,903,738, G>A on the plus strand (C>T on the coding strand, the complement: HYDIN is on the minus strand). VCF-style: chr16-70903738-G-A. GRCh37 (hg19) VCF-style: chr16-70937641-G-A.
Identifiers: ClinVar variation 808073 (VCV000808073.42), dbSNP rs1484380849, ClinGen allele CA496405524.